The following is an entry in ClinVar:

NM_032737.4(LMNB2):c.532G>A (p.Ala178Thr)

Gene: LMNB2 (lamin B2; minus strand). Cytogenetic location: 19p13.3.
Variant type: single nucleotide variant.
Coding change: c.532G>A on transcript NM_032737.4 (MANE Select); coding-DNA position 532, G replaced by A.
Protein change: p.Ala178Thr; replaces alanine 178 with threonine.
Molecular consequence: missense variant.
Genome position (GRCh38, 1-based): chr19:2,438,401, C>T on the plus strand (G>A on the coding strand, the complement: LMNB2 is on the minus strand). VCF-style: chr19-2438401-C-T. GRCh37 (hg19) VCF-style: chr19-2438399-C-T.
Other names: short protein forms A178T.
Identifiers: ClinVar variation 2341129 (VCV002341129.6), dbSNP rs770397639, ClinGen allele CA9067863.

ClinVar aggregate classification (germline): Uncertain significance. Review status: criteria provided, multiple submitters, no conflicts (2 of 4 stars). 3 submissions from 3 submitters: Uncertain significance (3). Last evaluated 2024-12-08.

Conditions:
Progressive myoclonic epilepsy type 9. Identifiers: Orphanet 457265, MedGen C4225289, MONDO:0014685, OMIM 616540.
Lipodystrophy, partial, acquired, susceptibility to (APLD). Also called: APLD, SUSCEPTIBILITY TO. Identifiers: MedGen C3887501, MONDO:0100476, OMIM 608709.

Allele frequency attached by ClinVar (database versions not stated): gnomAD 0.00001; gnomAD exomes 0.00001; TOPMed 0.00002; ExAC 0.00003.
gnomAD v4.1: 8 of 1,612,824 alleles (0.0005%); highest among the groups gnomAD compares: Non-Finnish European, 0.00068%; no homozygotes.

Submissions (3):

Labcorp Genetics (formerly Invitae), Labcorp
Classification: Uncertain significance for Progressive myoclonic epilepsy type 9; Lipodystrophy, partial, acquired, susceptibility to. Last evaluated: 2024-12-08. Review status: criteria provided, single submitter. Criteria: Invitae Variant Classification Sherloc (09022015). Collection method: clinical testing. Allele origin: germline.
Comment: This sequence change replaces alanine, which is neutral and non-polar, with threonine, which is neutral and polar, at codon 178 of the LMNB2 protein (p.Ala178Thr). This variant is present in population databases (rs770397639, gnomAD 0.005%). This variant has not been reported in the literature in individuals affected with LMNB2-related conditions. ClinVar contains an entry for this variant (Variation ID: 2341129). Invitae Evidence Modeling of protein sequence and biophysical properties (such as structural, functional, and spatial information, amino acid conservation, physicochemical variation, residue mobility, and thermodynamic stability) indicates that this missense variant is not expected to disrupt LMNB2 protein function with a negative predictive value of 80%. In summary, the available evidence is currently insufficient to determine the role of this variant in disease. Therefore, it has been classified as a Variant of Uncertain Significance.

Ambry Genetics
Classification: Uncertain significance. Last evaluated: 2024-05-26. Review status: criteria provided, single submitter. Criteria: Ambry Variant Classification Scheme 2023. Collection method: clinical testing. Allele origin: germline.

Blueprint Genetics
Classification: Uncertain significance. Last evaluated: 2023-03-08. Review status: criteria provided, single submitter. Criteria: ACMG Guidelines, 2015. Collection method: clinical testing. Allele origin: germline.